The following is an entry in ClinVar:

NM_000094.4(COL7A1):c.2005C>T (p.Arg669Ter)

Gene: COL7A1 (collagen type VII alpha 1 chain; minus strand). Cytogenetic location: 3p21.31.
Variant type: single nucleotide variant.
Coding change: c.2005C>T on transcript NM_000094.4 (MANE Select); coding-DNA position 2005, C replaced by T.
Protein change: p.Arg669Ter; replaces arginine 669 with a stop codon.
Molecular consequence: nonsense.
Genome position (GRCh38, 1-based): chr3:48,590,258, G>A on the plus strand (C>T on the coding strand, the complement: COL7A1 is on the minus strand). VCF-style: chr3-48590258-G-A. GRCh37 (hg19) VCF-style: chr3-48627691-G-A.
Other names: short protein forms R669*.
Identifiers: ClinVar variation 374052 (VCV000374052.24), dbSNP rs780261665, ClinGen allele CA2381040.

ClinVar aggregate classification (germline): Pathogenic. Review status: criteria provided, multiple submitters, no conflicts (2 of 4 stars). 14 submissions from 10 submitters: Pathogenic (11). 3 of the submissions do not count toward it. Last evaluated 2024-11-22.

Conditions:
Transient bullous dermolysis of the newborn (TBDN). Also called: DYSTROPHIC EPIDERMOLYSIS BULLOSA, NEONATAL; EPIDERMOLYSIS BULLOSA DYSTROPHICA, NEONATAL FORM. Identifiers: Orphanet 79411, MedGen C1851573, MONDO:0007548, OMIM 131705.
Pretibial dystrophic epidermolysis bullosa. Also called: Pretibial epidermolysis bullosa; Pretibial blistering; EPIDERMOLYSIS BULLOSA DYSTROPHICA, PRETIBIAL. Identifiers: Orphanet 79410, MedGen C0432321, MONDO:0007552, OMIM 131850, HP:0012221.
Dominant dystrophic epidermolysis bullosa with absence of skin. Also called: EPIDERMOLYSIS BULLOSA WITH CONGENITAL LOCALIZED ABSENCE OF SKIN AND DEFORMITY OF NAILS; EPIDERMOLYSIS BULLOSA DYSTROPHICA, BART TYPE. Identifiers: MedGen C0268371, MONDO:0007557, OMIM 132000.
Epidermolysis bullosa pruriginosa. Also called: DEB, PRURIGINOSA; DYSTROPHIC EPIDERMOLYSIS BULLOSA PRURIGINOSA. Identifiers: Orphanet 89843, MedGen C1275114, MONDO:0011398, OMIM 604129.
Nonsyndromic congenital nail disorder 8. Also called: TOENAIL DYSTROPHY, ISOLATED. Identifiers: MedGen C1843761, MONDO:0011852, OMIM 607523.
Generalized dominant dystrophic epidermolysis bullosa (DDEB). Also called: Dominant DEB (DDEB); DDEB, generalized; DDEB-gen; DYSTROPHIC EPIDERMOLYSIS BULLOSA, AUTOSOMAL DOMINANT; Epidermolysis bullosa dystrophica, autosomal dominant. Identifiers: Orphanet 231568, MedGen C0432322, MONDO:0007549, OMIM 131750.
Recessive dystrophic epidermolysis bullosa (RDEB). Also called: Hallopeau-Siemens Disease; EPIDERMOLYSIS BULLOSA DYSTROPHICA, GENERALIZED SEVERE, AUTOSOMAL RECESSIVE; Epidermolysis Bullosa Distrophica Autosomal Recessive (RDEB); epidermolysis bullosa dystrophica, autosomal recessive; Recessive DEB (RDEB); DYSTROPHIC EPIDERMOLYSIS BULLOSA, AUTOSOMAL RECESSIVE. Identifiers: Orphanet 79408, Orphanet 79409, MedGen C0079474, MONDO:0009179, OMIM 226600.
Short stature. Identifiers: MedGen C0349588, HP:0004322.
Toe syndactyly. Identifiers: MedGen C0265660, HP:0001770.
Palmoplantar blistering. Identifiers: MedGen C4024876, HP:0007446.
Finger syndactyly. Identifiers: MedGen C0221352, HP:0006101.
Nonsyndromic congenital nail disorder 4 (NDNC4). Also called: ANONYCHIA/HYPONYCHIA CONGENITA; ANONYCHIA TOTALIS. Identifiers: Orphanet 79143, Orphanet 94150, MedGen C3277900, MONDO:0008798, OMIM 206800.
COL7A1-related disorder. Also called: COL7A1-related condition; COL7A1- related disorders.
Epidermolysis bullosa dystrophica. Also called: Dystrophic epidermolysis bullosa, Hallopeau-Siemens type (formerly); Dystrophic epidermolysis bullosa. Identifiers: Orphanet 303, MedGen C0079294, MONDO:0006543.
Abnormal blistering of the skin. Identifiers: MedGen C2132198, HP:0008066.
Abnormality of the skin. Identifiers: MedGen C5848159, HP:0000951.
Skin erosion. Identifiers: MedGen C3887524, HP:0200041.
Nail dystrophy. Identifiers: MedGen C0221260, HP:0008404.

Allele frequency attached by ClinVar (database versions not stated): gnomAD 0.00001; gnomAD exomes 0.00002; TOPMed below 0.00001; ExAC 0.00002.
gnomAD v4.1: 15 of 1,613,740 alleles (0.00093%); highest among the groups gnomAD compares: East Asian, 0.0067%; no homozygotes.

Submissions (14):

Natera, Inc.
Classification: Pathogenic for Dystrophic epidermolysis bullosa. Last evaluated: 2024-11-22. Review status: criteria provided, single submitter. Criteria: Natera Variant Classification Schema (03/2026). Collection method: clinical testing. Allele origin: germline.
Comment: The c.2005C>T variant in COL7A1 is a nonsense variant predicted to introduce a stop codon at amino acid 669. This variant is expected to result in nonsense mediated decay, truncation, or a dysfunctional protein product. This variant is rare in the general population with a frequency below the threshold expected for the associated phenotype(s). This variant has been observed in one or more individuals affected with the associated recessive disease, as either homozygous or compound heterozygous with a second variant (PMID: 19665875, 16271705, 28549954). Given the available evidence, this variant is classified as Pathogenic.

Myriad Genetics, Inc.
Classification: Pathogenic for Recessive dystrophic epidermolysis bullosa. Last evaluated: 2024-05-01. Review status: criteria provided, single submitter. Criteria: Myriad Autosomal Dominant, Autosomal Recessive and X-Linked Classification Criteria (2023). Collection method: clinical testing. Allele origin: unknown.
Comment: NM_000094.3(COL7A1):c.2005C>T(R669*) is expected to be pathogenic in the context of dystrophic epidermolysis bullosa. This variant is predicted to lead to an abnormal or absent protein product due to the creation of a premature termination codon in COL7A1, a gene where loss-of-function variants are known to be pathogenic. Please note: this variant was assessed in the context of healthy population screening.

Labcorp Genetics (formerly Invitae), Labcorp
Classification: Pathogenic. Last evaluated: 2024-03-12. Review status: criteria provided, single submitter. Criteria: Invitae Variant Classification Sherloc (09022015). Collection method: clinical testing. Allele origin: germline.
Comment: This sequence change creates a premature translational stop signal (p.Arg669*) in the COL7A1 gene. It is expected to result in an absent or disrupted protein product. Loss-of-function variants in COL7A1 are known to be pathogenic (PMID: 16971478). This variant is present in population databases (rs780261665, gnomAD 0.01%). This premature translational stop signal has been observed in individuals with autosomal recessive dystrophic epidermolysis bullosa (PMID: 9881948, 26076072, 26148662). ClinVar contains an entry for this variant (Variation ID: 374052). Algorithms developed to predict the effect of sequence changes on RNA splicing suggest that this variant may disrupt the consensus splice site. For these reasons, this variant has been classified as Pathogenic.

Fulgent Genetics
Classification: Pathogenic for Transient bullous dermolysis of the newborn; Generalized dominant dystrophic epidermolysis bullosa; Pretibial dystrophic epidermolysis bullosa; Dominant dystrophic epidermolysis bullosa with absence of skin; Recessive dystrophic epidermolysis bullosa; Epidermolysis bullosa pruriginosa; Nonsyndromic congenital nail disorder 8. Last evaluated: 2024-02-05. Review status: criteria provided, single submitter. Criteria: ACMG Guidelines, 2015. Collection method: clinical testing. Allele origin: germline.

Victorian Clinical Genetics Services, Murdoch Childrens Research Institute
Classification: Pathogenic for Recessive dystrophic epidermolysis bullosa. Last evaluated: 2022-06-24. Review status: criteria provided, single submitter. Criteria: ACMG Guidelines, 2015. Collection method: clinical testing. Allele origin: germline. Affected: yes.
Comment: Based on the classification scheme VCGS_Germline_v1.3.4, this variant is classified as Pathogenic. Following criteria are met: 0103 - Dominant negative and loss of function are known mechanisms of disease in this gene and are associated with epidermolysis bullosa (OMIM, PMID: 31670143). (I) 0108 - This gene is associated with both recessive and dominant disease. The spectrum of epidermolysis bullosa associated with this gene can be either dominant or recessive. Dominant inheritance is typically associated with milder phenotypes, whereas recessive inheritance is usually observed in more severe cases (OMIM). (I) 0115 - Variants in this gene are known to have variable expressivity. Severity ranges from involving only nails to generalized and severe blistering and scarring (PMID: 31670143). (I) 0201 - Variant is predicted to cause nonsense-mediated decay (NMD) and loss of protein (premature termination codon is located at least 54 nucleotides upstream of the final exon-exon junction). (SP) 0251 - This variant is heterozygous. (I) 0304 - Variant is present in gnomAD (v2) <0.01 for a recessive condition (5 heterozygotes, 0 homozygotes). (SP) 0701 - Other NMD-predicted variants comparable to the one identified in this case have very strong previous evidence for pathogenicity (DECIPHER). (SP) 0801 - This variant has strong previous evidence of pathogenicity in unrelated individuals. This variant has been observed in several individuals with recessive epidermolysis bullosa ranging from intermediate to severe, and has been seen in both compound heterozygous and homozygous states (ClinVar, PMIDs: 32383240, 25201089, 19665875). (SP) 1208 - Inheritance information for this variant is not currently available in this individual. (I) Legend: (SP) - Supporting pathogenic, (I) - Information, (SB) - Supporting benign

GeneDx
Classification: Pathogenic. Last evaluated: 2021-12-08. Review status: criteria provided, single submitter. Criteria: GeneDx Variant Classification Process June 2021. Collection method: clinical testing. Allele origin: germline. Affected: yes.
Comment: Nonsense variant predicted to result in protein truncation or nonsense mediated decay in a gene for which loss-of-function is a known mechanism of disease; This variant is associated with the following publications: (PMID: 19665875, 25525159, 19681861, 26076072, 9892921, 17073998, 9881948, 26148662, 26833212, 31001817, 29625052, 33274474, 32978145)

Centre for Mendelian Genomics, University Medical Centre Ljubljana
Classification: Pathogenic for Abnormality of the skin; Nail dystrophy; Skin erosion. Last evaluated: 2017-01-01. Review status: criteria provided, single submitter. Criteria: ACMG Guidelines, 2015. Collection method: clinical testing. Allele origin: unknown. Affected: yes.

Centre for Mendelian Genomics, University Medical Centre Ljubljana
Classification: Pathogenic for Abnormal blistering of the skin. Last evaluated: 2017-01-01. Review status: criteria provided, single submitter. Criteria: ACMG Guidelines, 2015. Collection method: clinical testing. Allele origin: unknown. Affected: yes.

Centre for Mendelian Genomics, University Medical Centre Ljubljana
Classification: Pathogenic for Anonychia. Last evaluated: 2017-01-01. Review status: criteria provided, single submitter. Criteria: ACMG Guidelines, 2015. Collection method: clinical testing. Allele origin: unknown. Affected: yes.

Centre for Mendelian Genomics, University Medical Centre Ljubljana
Classification: Pathogenic for Epidermolysis bullosa pruriginosa. Last evaluated: 2016-01-01. Review status: criteria provided, single submitter. Criteria: ACMG Guidelines, 2015. Collection method: clinical testing. Allele origin: unknown. Affected: yes.
Comment: This variant was classified as: Pathogenic. The following ACMG criteria were applied in classifying this variant: PVS1,PS1,PM2,PM3,PP3,PP4.

Centre for Mendelian Genomics, University Medical Centre Ljubljana
Classification: Pathogenic for Finger syndactyly; Palmoplantar blistering; Short stature; Toe syndactyly. Last evaluated: 2015-10-21. Review status: criteria provided, single submitter. Criteria: ACMG Guidelines, 2015. Collection method: clinical testing. Allele origin: unknown. Affected: yes.

PreventionGenetics, part of Exact Sciences
Classification: Pathogenic for COL7A1-related condition. Last evaluated: 2024-08-29. Review status: no assertion criteria provided. Collection method: clinical testing. Allele origin: germline. Not counted in ClinVar's aggregate classification.
Comment: The COL7A1 c.2005C>T variant is predicted to result in premature protein termination (p.Arg669*). This variant has been reported in individuals with autosomal recessive epidermolysis bullosa dystrophica (see example: Cserhalmi-Friedman et al. 1998. PubMed ID: 9881948; Table S1, Warshauer et al. 2021. PubMed ID: 34435747; Schwieger-Briel et al. 2015. PubMed ID: 26076072; Table S6, Rossi et al. 2020. PubMed ID: 33274474). This variant is reported in 0.011% of alleles in individuals of East Asian descent in gnomAD. Nonsense variants in COL7A1 are expected to be pathogenic. This variant is interpreted as pathogenic.

Clinical Genetics DNA and cytogenetics Diagnostics Lab, Erasmus MC, Erasmus Medical Center
Classification: Pathogenic. Review status: no assertion criteria provided. Collection method: clinical testing. Allele origin: germline. Affected: yes. Study: VKGL Data-share Consensus. Not counted in ClinVar's aggregate classification.

Joint Genome Diagnostic Labs from Nijmegen and Maastricht, Radboudumc and MUMC+
Classification: Pathogenic. Review status: no assertion criteria provided. Collection method: clinical testing. Allele origin: germline. Affected: yes. Study: VKGL Data-share Consensus. Not counted in ClinVar's aggregate classification.

Literature cited by the submitters: PubMed 19665875 (cited by Natera, Inc. and Victorian Clinical Genetics Services, Murdoch Childrens Research Institute); PubMed 16271705 (cited by Natera, Inc.); PubMed 28549954 (cited by Natera, Inc.); PubMed 16971478 (cited by Labcorp Genetics (formerly Invitae), Labcorp); PubMed 9881948 (cited by Labcorp Genetics (formerly Invitae), Labcorp); PubMed 26076072 (cited by Labcorp Genetics (formerly Invitae), Labcorp); PubMed 26148662 (cited by Labcorp Genetics (formerly Invitae), Labcorp); PubMed 25201089 (cited by Victorian Clinical Genetics Services, Murdoch Childrens Research Institute); PubMed 31670143 (cited by Victorian Clinical Genetics Services, Murdoch Childrens Research Institute); PubMed 32383240 (cited by Victorian Clinical Genetics Services, Murdoch Childrens Research Institute).